The following is an entry in ClinVar:

ClinVar aggregate classification (germline): Pathogenic (1 of 4 stars; one submission).

Submission:

Labcorp Genetics (formerly Invitae), Labcorp
Classification: Pathogenic. Last evaluated: 2022-08-06. Review status: criteria provided, single submitter. Criteria: Invitae Variant Classification Sherloc (09022015). Collection method: clinical testing. Allele origin: germline.
Comment: This variant has not been reported in the literature in individuals affected with TSPAN12-related conditions. This variant is a gross deletion of the genomic region encompassing exon(s) 4 of the TSPAN12 gene. This deletion is out-of-frame, and is expected to create a premature termination codon and result in an absent or disrupted protein product. Loss-of-function variants in TSPAN12 are known to be pathogenic (PMID: 20159112, 21334594). For these reasons, this variant has been classified as Pathogenic.

Literature cited by the submitters: PubMed 20159112; PubMed 21334594.

NC_000007.13:g.(?_120478811)_(120478986_?)del

Gene: TSPAN12 (tetraspanin 12; minus strand). Cytogenetic location: 7q31.31.
Variant type: Deletion.
Identifiers: ClinVar variation 2425799 (VCV002425799.4).